The following is an entry in ClinVar:

ClinVar aggregate classification (germline): Conflicting classifications of pathogenicity. Review status: criteria provided, conflicting classifications (1 of 4 stars). 5 submissions from 5 submitters: Uncertain significance (3); Benign (1); Likely benign (1). Last evaluated 2025-12-08.

Conditions:
MET-related disorder. Also called: MET-related condition.
Renal cell carcinoma. Identifiers: Orphanet 217071, MedGen C0007134, MeSH D002292, MONDO:0005086, HP:0005584.
Hereditary cancer-predisposing syndrome. Also called: Neoplastic Syndromes, Hereditary; Tumor predisposition; Hereditary Cancer Syndrome; Hereditary neoplastic syndrome. Identifiers: Orphanet 140162, MedGen C0027672, MeSH D009386, MONDO:0015356.

Allele frequency attached by ClinVar (database versions not stated): gnomAD 0.00002 and 0.00005; TOPMed 0.00002; ESP Exome Variant Server 0.00008; gnomAD exomes 0.00008; ExAC 0.00011.
gnomAD v4.1: 62 of 1,613,508 alleles (0.0038%); highest among the groups gnomAD compares: South Asian, 0.047%; no homozygotes.

Submissions (5):

Labcorp Genetics (formerly Invitae), Labcorp
Classification: Likely benign for Renal cell carcinoma. Last evaluated: 2025-12-08. Review status: criteria provided, single submitter. Criteria: Invitae Variant Classification Sherloc (09022015). Collection method: clinical testing. Allele origin: germline.

Center for Genomic Medicine, Rigshospitalet, Copenhagen University Hospital
Classification: Uncertain significance. Last evaluated: 2025-03-04. Review status: criteria provided, single submitter. Criteria: ACMG Guidelines, 2015. Collection method: clinical testing. Allele origin: germline.

PreventionGenetics, part of Exact Sciences
Classification: Uncertain significance for MET-related condition. Last evaluated: 2025-02-08. Review status: criteria provided, single submitter. Criteria: ACMG Guidelines, 2015. Collection method: clinical testing. Allele origin: germline.
Comment: The MET c.2216G>A variant is predicted to result in the amino acid substitution p.Arg739His. To our knowledge, this variant has not been reported in the literature. This variant is reported in 0.046% of alleles in individuals of South Asian descent in gnomAD. At this time, the clinical significance of this variant is uncertain due to the absence of conclusive functional and genetic evidence.

GeneDx
Classification: Uncertain significance. Last evaluated: 2024-01-31. Review status: criteria provided, single submitter. Criteria: GeneDx Variant Classification Process June 2021. Collection method: clinical testing. Allele origin: germline.
Comment: In silico analysis supports that this missense variant has a deleterious effect on protein structure/function; Has not been previously published as pathogenic or benign to our knowledge

Ambry Genetics
Classification: Benign for Hereditary cancer-predisposing syndrome. Last evaluated: 2022-07-12. Review status: criteria provided, single submitter. Criteria: Ambry Variant Classification Scheme 2023. Collection method: clinical testing. Allele origin: germline.

NM_000245.4(MET):c.2216G>A (p.Arg739His)

Gene: MET (MET proto-oncogene, receptor tyrosine kinase; plus strand). Cytogenetic location: 7q31.2.
Variant type: single nucleotide variant.
Coding change: c.2216G>A on transcript NM_000245.4 (MANE Select); coding-DNA position 2216, G replaced by A.
Protein change: p.Arg739His; replaces arginine 739 with histidine.
Molecular consequence: missense variant.
Genome position (GRCh38, 1-based): chr7:116,758,572, G>A. VCF-style: chr7-116758572-G-A. GRCh37 (hg19) VCF-style: chr7-116398626-G-A.
Other names: c.2216G>A (NM_001127500.2); c.2216G>A, p.Arg739His (NM_001127500.3, NM_001324401.3); c.926G>A, p.Arg309His (NM_001324402.2); short protein forms R739H, R309H.
Identifiers: ClinVar variation 135963 (VCV000135963.17), dbSNP rs45553236, ClinGen allele CA332670.